The following is an entry in ClinVar:

NC_000013.11:g.48303747G>C

Gene: RB1 (RB transcriptional corepressor 1; plus strand). Cytogenetic location: 13q14.2.
Variant type: single nucleotide variant.
Genome position: GRCh38 VCF-style: chr13-48303747-G-C. GRCh37 (hg19) VCF-style: chr13-48877883-G-C.
Other names: c.-166G>C (NM_000321.2).
Identifiers: ClinVar variation 3716541 (VCV003716541.2).

ClinVar aggregate classification (germline): Uncertain significance (1 of 4 stars; one submission).

Conditions:
Retinoblastoma (RB1). Also called: RETINOBLASTOMA, SOMATIC. Identifiers: Orphanet 790, MedGen C0035335, MeSH D012175, MONDO:0008380, OMIM 180200, HP:0009919. Disease mechanism: loss of function. Inheritance: Both sporadic and heritable forms are tested..

Submission:

Labcorp Genetics (formerly Invitae), Labcorp
Classification: Uncertain significance for Retinoblastoma. Last evaluated: 2025-07-30. Review status: criteria provided, single submitter. Criteria: Invitae Variant Classification Sherloc (09022015). Collection method: clinical testing. Allele origin: germline.
Comment: This variant occurs in a non-coding region of the RB1 gene. It does not change the encoded amino acid sequence of the RB1 protein. This variant is not present in population databases (gnomAD no frequency). This variant has not been reported in the literature in individuals affected with RB1-related conditions. ClinVar contains an entry for this variant (Variation ID: 3716541). In summary, the available evidence is currently insufficient to determine the role of this variant in disease. Therefore, it has been classified as a Variant of Uncertain Significance.